The following is an entry in ClinVar:

NM_015512.5(DNAH1):c.5560G>A (p.Val1854Ile)

Gene: DNAH1 (dynein axonemal heavy chain 1; plus strand). Cytogenetic location: 3p21.1.
Variant type: single nucleotide variant.
Coding change: c.5560G>A on transcript NM_015512.5 (MANE Select); coding-DNA position 5560, G replaced by A.
Protein change: p.Val1854Ile; replaces valine 1854 with isoleucine.
Molecular consequence: missense variant.
Genome position (GRCh38, 1-based): chr3:52,366,498, G>A. VCF-style: chr3-52366498-G-A. GRCh37 (hg19) VCF-style: chr3-52400514-G-A.
Other names: short protein forms V1854I.
Identifiers: ClinVar variation 3763486 (VCV003763486.2).

ClinVar aggregate classification (germline): Uncertain significance (1 of 4 stars; one submission).

Conditions:
Spermatogenic failure 18. Identifiers: MedGen C4539783, MONDO:0054615, OMIM 617576.
Ciliary dyskinesia, primary, 37 (CILD37). Also called: CILIARY DYSKINESIA, PRIMARY, 37, WITH OR WITHOUT SITUS INVERSUS. Identifiers: MedGen C4539798, MONDO:0033204, OMIM 617577.

gnomAD v4.1: 27 of 1,603,240 alleles (0.0017%); highest among the groups gnomAD compares: South Asian, 0.026%; no homozygotes.

Submission:

Labcorp Genetics (formerly Invitae), Labcorp
Classification: Uncertain significance for Ciliary dyskinesia, primary, 37; Spermatogenic failure 18. Last evaluated: 2024-06-28. Review status: criteria provided, single submitter. Criteria: Invitae Variant Classification Sherloc (09022015). Collection method: clinical testing. Allele origin: germline.
Comment: This sequence change replaces valine, which is neutral and non-polar, with isoleucine, which is neutral and non-polar, at codon 1854 of the DNAH1 protein (p.Val1854Ile). This variant is present in population databases (rs774650275, gnomAD 0.02%). This variant has not been reported in the literature in individuals affected with DNAH1-related conditions. Advanced modeling of protein sequence and biophysical properties (such as structural, functional, and spatial information, amino acid conservation, physicochemical variation, residue mobility, and thermodynamic stability) performed at Invitae indicates that this missense variant is expected to disrupt DNAH1 protein function with a positive predictive value of 80%. In summary, the available evidence is currently insufficient to determine the role of this variant in disease. Therefore, it has been classified as a Variant of Uncertain Significance.